The following is an entry in ClinVar:

NM_018249.6(CDK5RAP2):c.383+11T>G

Gene: CDK5RAP2 (CDK5 regulatory subunit associated protein 2; minus strand). Cytogenetic location: 9q33.2.
Variant type: single nucleotide variant.
Coding change: c.383+11T>G on transcript NM_018249.6 (MANE Select); 11 bases into the intron after coding-DNA position 383, T replaced by G.
Molecular consequence: intron variant.
Genome position (GRCh38, 1-based): chr9:120,545,703, A>C on the plus strand (T>G on the coding strand, the complement: CDK5RAP2 is on the minus strand). VCF-style: chr9-120545703-A-C. GRCh37 (hg19) VCF-style: chr9-123307981-A-C.
Other names: c.383+11T>G (NM_001272039.2, NM_001011649.3).
Identifiers: ClinVar variation 390784 (VCV000390784.1), dbSNP rs764922983, ClinGen allele CA5214762.

ClinVar aggregate classification (germline): Likely benign (1 of 4 stars; one submission).

Allele frequency attached by ClinVar (database versions not stated): ExAC 0.00001; TOPMed 0.00002; gnomAD exomes 0.00001; gnomAD 0.00001.
gnomAD v4.1: 9 of 1,608,076 alleles (0.00056%); highest among the groups gnomAD compares: Non-Finnish European, 0.00077%; no homozygotes.

Submission:

GeneDx
Classification: Likely benign. Last evaluated: 2016-11-07. Review status: criteria provided, single submitter. Criteria: GeneDx Variant Classification (06012015). Collection method: clinical testing. Allele origin: germline. Affected: yes.
Comment: This variant is considered likely benign or benign based on one or more of the following criteria: it is a conservative change, it occurs at a poorly conserved position in the protein, it is predicted to be benign by multiple in silico algorithms, and/or has population frequency not consistent with disease.